The following is an entry in ClinVar:

NM_018062.4(FANCL):c.385G>T (p.Ala129Ser)

Gene: FANCL (FA complementation group L; minus strand). Cytogenetic location: 2p16.1.
Variant type: single nucleotide variant.
Coding change: c.385G>T on transcript NM_018062.4 (MANE Select); coding-DNA position 385, G replaced by T.
Protein change: p.Ala129Ser; replaces alanine 129 with serine.
Molecular consequence: missense variant.
Genome position (GRCh38, 1-based): chr2:58,204,216, C>A on the plus strand (G>T on the coding strand, the complement: FANCL is on the minus strand). VCF-style: chr2-58204216-C-A. GRCh37 (hg19) VCF-style: chr2-58431351-C-A.
Other names: c.385G>T, p.Ala129Ser (NM_001114636.2, NM_001374615.1, NM_001410792.1); short protein forms A129S.
Identifiers: ClinVar variation 2811480 (VCV002811480.3), dbSNP rs2467185365, ClinGen allele CA347034202.

ClinVar aggregate classification (germline): Uncertain significance (1 of 4 stars; one submission).

Conditions:
Fanconi anemia (FA). Also called: Fanconi's anemia. Identifiers: Orphanet 84, MedGen C0015625, MeSH D005199, MONDO:0019391.

Submission:

Labcorp Genetics (formerly Invitae), Labcorp
Classification: Uncertain significance for Fanconi anemia. Last evaluated: 2022-11-02. Review status: criteria provided, single submitter. Criteria: Invitae Variant Classification Sherloc (09022015). Collection method: clinical testing. Allele origin: germline.
Comment: In summary, the available evidence is currently insufficient to determine the role of this variant in disease. Therefore, it has been classified as a Variant of Uncertain Significance. Advanced modeling of protein sequence and biophysical properties (such as structural, functional, and spatial information, amino acid conservation, physicochemical variation, residue mobility, and thermodynamic stability) performed at Invitae indicates that this missense variant is not expected to disrupt FANCL protein function. This variant has not been reported in the literature in individuals affected with FANCL-related conditions. This variant is not present in population databases (gnomAD no frequency). This sequence change replaces alanine, which is neutral and non-polar, with serine, which is neutral and polar, at codon 129 of the FANCL protein (p.Ala129Ser).